The following is an entry in ClinVar:

NM_006940.6(SOX5):c.352C>T (p.Arg118Ter)

Gene: SOX5 (SRY-box transcription factor 5; minus strand). Cytogenetic location: 12p12.1.
Variant type: single nucleotide variant.
Coding change: c.352C>T on transcript NM_006940.6 (MANE Select); coding-DNA position 352, C replaced by T.
Protein change: p.Arg118Ter; replaces arginine 118 with a stop codon.
Molecular consequence: nonsense.
Genome position (GRCh38, 1-based): chr12:23,846,112, G>A on the plus strand (C>T on the coding strand, the complement: SOX5 is on the minus strand). VCF-style: chr12-23846112-G-A. GRCh37 (hg19) VCF-style: chr12-23999046-G-A.
Other names: c.313C>T, p.Arg105Ter (NM_001261414.3, NM_152989.5); c.322C>T, p.Arg108Ter (NM_001261415.3); c.247C>T, p.Arg83Ter (NM_001330785.2); short protein forms R105*, R108*, R118*, R83*.
Identifiers: ClinVar variation 1098341 (VCV001098341.7), dbSNP rs2136047948, ClinGen allele CA384322165.

ClinVar aggregate classification (germline): Pathogenic. Review status: criteria provided, multiple submitters, no conflicts (2 of 4 stars). 5 submissions from 5 submitters: Pathogenic (4). 1 of the submissions does not count toward it. Last evaluated 2025-10-10.

Conditions:
Lamb-Shaffer syndrome. Identifiers: Orphanet 313884, Orphanet 313892, Orphanet 530983, MedGen C4225202, MONDO:0014778, OMIM 616803.

Submissions (5):

3billion
Classification: Pathogenic for Lamb-Shaffer syndrome. Last evaluated: 2025-10-10. Review status: criteria provided, single submitter. Criteria: ACMG Guidelines, 2015. Collection method: clinical testing. Allele origin: germline. Affected: yes.
Comment: The variant is not observed in the gnomAD v4.1.0 dataset. Predicted Consequence/Location: Stop-gained (nonsense): predicted to result in a loss or disruption of normal protein function through nonsense-mediated decay (NMD) or protein truncation. Multiple pathogenic variants are reported downstream of the variant. The variant has been reported at least twice as pathogenic with clinical assertions and evidence for the classification (ClinVar ID: VCV001098341 /PMID: 34758253). Therefore, this variant is classified as Pathogenic according to the recommendation of ACMG/AMP guideline.

Dubai Health Genomic Medicine Center, Dubai Health
Classification: Pathogenic for Lamb-Shaffer syndrome. Last evaluated: 2024-10-04. Review status: criteria provided, single submitter. Criteria: ACMG Guidelines, 2015. Collection method: research. Allele origin: germline. Affected: yes.
Comment: PVS1,PS2,PM2

Equipe Genetique des Anomalies du Developpement, Université de Bourgogne
Classification: Pathogenic for Lamb-Shaffer syndrome. Last evaluated: 2021-10-18. Review status: criteria provided, single submitter. Criteria: ACMG Guidelines, 2015. Collection method: clinical testing. Allele origin: de novo. Affected: yes.

Genetics Laboratory, UDIAT-Centre Diagnòstic, Hospital Universitari Parc Tauli
Classification: Pathogenic. Last evaluated: 2021-04-26. Review status: criteria provided, single submitter. Criteria: Parc Tauli Hospital Assertion Criteria 2021. Collection method: clinical testing. Allele origin: de novo. Inheritance: Autosomal dominant inheritance. Affected: yes. Observed: 1 heterozygote.
Comment: PVS1_very strong;PM2_supporting;PM6_moderate;PP3_supporting

Genomics England Pilot Project, Genomics England
Classification: Pathogenic for Lamb-Shaffer syndrome. Review status: no assertion criteria provided. Criteria: ACGS Guidelines, 2016. Collection method: clinical testing. Allele origin: germline. Affected: yes. Not counted in ClinVar's aggregate classification.

Literature cited by the submitters: PubMed 34758253 (cited by 3billion).